The following is an entry in ClinVar:

ClinVar aggregate classification (germline): Uncertain significance (1 of 4 stars; one submission).

Conditions:
Aicardi-Goutieres syndrome 6 (AGS6). Identifiers: Orphanet 51, MedGen C3539013, MONDO:0014007, OMIM 615010.
Symmetrical dyschromatosis of extremities (DSH). Also called: DYSCHROMATOSIS SYMMETRICA HEREDITARIA 1; Dyschromatosis symmetrica hereditaria; RETICULATE ACROPIGMENTATION OF DOHI; SYMMETRIC DYSCHROMATOSIS OF THE EXTREMITIES. Identifiers: Orphanet 41, MedGen C0406775, MONDO:0007483, OMIM 127400.

Submission:

Labcorp Genetics (formerly Invitae), Labcorp
Classification: Uncertain significance for Aicardi-Goutieres syndrome 6; Symmetrical dyschromatosis of extremities. Last evaluated: 2022-02-28. Review status: criteria provided, single submitter. Criteria: Invitae Variant Classification Sherloc (09022015). Collection method: clinical testing. Allele origin: germline.
Comment: This sequence change replaces lysine, which is basic and polar, with glutamine, which is neutral and polar, at codon 665 of the ADAR protein (p.Lys665Gln). This variant is not present in population databases (gnomAD no frequency). This variant has not been reported in the literature in individuals affected with ADAR-related conditions. Algorithms developed to predict the effect of missense changes on protein structure and function are either unavailable or do not agree on the potential impact of this missense change (SIFT: "Deleterious"; PolyPhen-2: "Probably Damaging"; Align-GVGD: "Class C0"). In summary, the available evidence is currently insufficient to determine the role of this variant in disease. Therefore, it has been classified as a Variant of Uncertain Significance.

NM_001111.5(ADAR):c.1993A>C (p.Lys665Gln)

Gene: ADAR (adenosine deaminase RNA specific; minus strand). Cytogenetic location: 1q21.3.
Variant type: single nucleotide variant.
Coding change: c.1993A>C on transcript NM_001111.5 (MANE Select); coding-DNA position 1993, A replaced by C.
Protein change: p.Lys665Gln; replaces lysine 665 with glutamine.
Molecular consequence: missense variant.
Genome position (GRCh38, 1-based): chr1:154,597,209, T>G on the plus strand (A>C on the coding strand, the complement: ADAR is on the minus strand). VCF-style: chr1-154597209-T-G. GRCh37 (hg19) VCF-style: chr1-154569685-T-G.
Other names: c.1108A>C, p.Lys370Gln (NM_001025107.3, NM_001193495.2, NM_001365046.1 and 3 more transcripts); c.2020A>C, p.Lys674Gln (NM_001365045.1); c.1993A>C, p.Lys665Gln (NM_015840.4, NM_015841.4); short protein forms K674Q, K370Q, K665Q.
Identifiers: ClinVar variation 2104275 (VCV002104275.4), dbSNP rs2526595887, ClinGen allele CA342638269.
Genomic context (GRCh38, chr1:154,597,209, plus strand): 5'-TCGCCTCCCCATGCAGGGCCTTCATGGCTTCCTCTGCGGCCATCTGCTTTGCCACTTTCT[T>G]GCTGGGAGCACTCACACTGGGGAAAGTTTGGGCTCCCACTGCAACACAGTATTGGAACCT-3'
Protein context (NP_001102.3, residues 655-675): QTFPSVSAPS[Lys665Gln]KVAKQMAAEE